The following is an entry in ClinVar:

NM_004974.4(KCNA2):c.295A>G (p.Arg99Gly)

Gene: KCNA2 (potassium voltage-gated channel subfamily A member 2; minus strand). Cytogenetic location: 1p13.3.
Variant type: single nucleotide variant.
Coding change: c.295A>G on transcript NM_004974.4 (MANE Select); coding-DNA position 295, A replaced by G.
Protein change: p.Arg99Gly; replaces arginine 99 with glycine.
Molecular consequence: missense variant.
Genome position (GRCh38, 1-based): chr1:110,604,488, T>C on the plus strand (A>G on the coding strand, the complement: KCNA2 is on the minus strand). VCF-style: chr1-110604488-T-C. GRCh37 (hg19) VCF-style: chr1-111147110-T-C.
Other names: c.295A>G, p.Arg99Gly (NM_001204269.2); short protein forms R99G.
Identifiers: ClinVar variation 3360038 (VCV003360038.1).

ClinVar aggregate classification (germline): Uncertain significance (1 of 4 stars; one submission).

Submission:

GeneDx
Classification: Uncertain significance. Last evaluated: 2023-06-23. Review status: criteria provided, single submitter. Criteria: GeneDx Variant Classification Process June 2021. Collection method: clinical testing. Allele origin: germline. Affected: yes.
Comment: Not observed at significant frequency in large population cohorts (gnomAD); In silico analysis supports that this missense variant has a deleterious effect on protein structure/function; Has not been previously published as pathogenic or benign to our knowledge